The following is an entry in ClinVar:

ClinVar aggregate classification (germline): Uncertain significance. Review status: criteria provided, multiple submitters, no conflicts (2 of 4 stars). 3 submissions from 3 submitters: Uncertain significance (3). Last evaluated 2024-01-11.

Conditions:
Duane-radial ray syndrome (DRRS). Also called: ACRORENOOCULAR SYNDROME; DR SYNDROME; DUANE ANOMALY WITH RADIAL RAY ABNORMALITIES AND DEAFNESS; Duane-Radial Ray Syndrome (DRRS) / Okihiro Syndrome; Okihiro Syndrome; Duane-Radial Ray Syndrome/Okihiro Syndrome. Identifiers: Orphanet 93293, Orphanet 959, MedGen C1623209, MONDO:0011812, OMIM 607323. Disease mechanism: gain of function.
Oculootoradial syndrome (IVIC). Also called: RADIAL RAY DEFECTS, HEARING IMPAIRMENT, EXTERNAL OPHTHALMOPLEGIA, AND THROMBOCYTOPENIA; IVIC syndrome. Identifiers: Orphanet 2307, MedGen C1327918, MONDO:0007836, OMIM 147750.

Allele frequency attached by ClinVar (database versions not stated): ExAC 0.00001; gnomAD exomes 0.00002 and 0.00006; TOPMed 0.00002; gnomAD 0.00003 and 0.00004.
gnomAD v4.1: 90 of 1,614,074 alleles (0.0056%); highest among the groups gnomAD compares: Non-Finnish European, 0.007%; no homozygotes.

Submissions (3):

Fulgent Genetics
Classification: Uncertain significance for Oculootoradial syndrome; Duane-radial ray syndrome. Last evaluated: 2024-01-11. Review status: criteria provided, single submitter. Criteria: ACMG Guidelines, 2015. Collection method: clinical testing. Allele origin: germline.

Victorian Clinical Genetics Services, Murdoch Childrens Research Institute
Classification: Uncertain significance for Duane-radial ray syndrome. Last evaluated: 2020-05-25. Review status: criteria provided, single submitter. Criteria: ACMG Guidelines, 2015. Collection method: clinical testing. Allele origin: germline. Inheritance: Autosomal dominant inheritance. Affected: yes.
Comment: Based on the classification scheme VCGS_Germline_v1.1.1, this variant is classified as 3C-VUS. Following criteria are met: 0102 - Loss-of-function is a known mechanism of disease for this gene. (N) 0107 - This gene is known to be associated with autosomal dominant disease. (N) 0112 - Variants in this gene are known to have reduced penetrance (PMID: 12393809). (N) 0200 - Variant is predicted to result in a missense amino acid change from serine to asparagine (exon 2). (N) 0251 - Variant is heterozygous. (N) 0302 - Variant is present in gnomAD <0.001 for a dominant condition (7 heterozygotes, 0 homogyzotes). (P) 0503 - Missense variant consistently predicted to be tolerated or not conserved in mammals with a minor amino acid change. (B) 0504 - Same amino acid change has been observed in mammals. (B) 0604 - Variant is not located in an established domain, motif, hotspot or informative constraint region. (N) 0705 - No comparable variants have previous evidence for pathogenicity. (N) 0807 - Variant has not previously been reported in a clinical context. (N) 0905 - No segregation evidence has been identified for this variant. (N) 1007 - No published functional evidence has been identified for this variant. (N) 1102 - Strong phenotype match. (P) 1208 - Segregation information for this variant is not currently available. (N) Legend: (P) - Pathogenic, (N) - Neutral, (B) - Benign

Revvity Omics, Revvity
Classification: Uncertain significance. Last evaluated: 2019-11-20. Review status: criteria provided, single submitter. Criteria: ACMG Guidelines, 2015. Collection method: clinical testing. Allele origin: germline.

Literature cited by the submitters: PubMed 12393809 (cited by Victorian Clinical Genetics Services, Murdoch Childrens Research Institute).

NM_020436.5(SALL4):c.1037G>A (p.Ser346Asn)

Gene: SALL4 (spalt like transcription factor 4; minus strand). Cytogenetic location: 20q13.2.
Variant type: single nucleotide variant.
Coding change: c.1037G>A on transcript NM_020436.5 (MANE Select); coding-DNA position 1037, G replaced by A.
Protein change: p.Ser346Asn; replaces serine 346 with asparagine.
Molecular consequence: missense variant.
Genome position (GRCh38, 1-based): chr20:51,791,446, C>T on the plus strand (G>A on the coding strand, the complement: SALL4 is on the minus strand). VCF-style: chr20-51791446-C-T. GRCh37 (hg19) VCF-style: chr20-50407985-C-T.
Other names: c.1037G>A, p.Ser346Asn (NM_001318031.2); short protein forms S346N.
Identifiers: ClinVar variation 1699070 (VCV001699070.7), dbSNP rs757430438, ClinGen allele CA9912352.